The following is an entry in ClinVar:

NM_020975.6(RET):c.2288A>G (p.Asn763Ser)

Gene: RET (ret proto-oncogene; plus strand). Cytogenetic location: 10q11.21.
Variant type: single nucleotide variant.
Coding change: c.2288A>G on transcript NM_020975.6 (MANE Select); coding-DNA position 2288, A replaced by G.
Protein change: p.Asn763Ser; replaces asparagine 763 with serine.
Molecular consequence: missense variant.
Genome position (GRCh38, 1-based): chr10:43,118,376, A>G. VCF-style: chr10-43118376-A-G. GRCh37 (hg19) VCF-style: chr10-43613824-A-G.
Other names: c.2288A>G, p.Asn763Ser (NM_000323.2, NM_001406743.1, NM_001406744.1 and 4 more transcripts); c.1526A>G, p.Asn509Ser (NM_001355216.2); c.2159A>G, p.Asn720Ser (NM_001406761.1, NM_001406762.1, NM_001406764.1); c.2153A>G, p.Asn718Ser (NM_001406763.1, NM_001406765.1); c.2000A>G, p.Asn667Ser (NM_001406766.1, NM_001406767.1, NM_001406770.1); c.2024A>G, p.Asn675Ser (NM_001406768.1); c.1892A>G, p.Asn631Ser (NM_001406769.1, NM_001406772.1); c.1850A>G, p.Asn617Ser (NM_001406771.1, NM_001406773.1); and 10 more; short protein forms N280S, N328S, N464S, N631S, N718S, N421S, N509S, N588S.
Identifiers: ClinVar variation 1789038 (VCV001789038.4), dbSNP rs199882293, ClinGen allele CA376555531.
Genomic context (GRCh38, chr10:43,118,376, plus strand): 5'-TCATGGAAGGGGCTTCCAGGAGCGATCGTTTGCAACCTGCTCTGTGCTGCATTTCAGAGA[A>G]CGCCTCCCCGAGTGAGCTGCGAGACCTGCTGTCAGAGTTCAACGTCCTGAAGCAGGTCAA-3'
Protein context (NP_066124.1, residues 753-773): TTVAVKMLKE[Asn763Ser]ASPSELRDLL

ClinVar aggregate classification (germline): Uncertain significance. Review status: criteria provided, multiple submitters, no conflicts (2 of 4 stars). 2 submissions from 2 submitters: Uncertain significance (2). Last evaluated 2025-10-31.

Conditions:
Hereditary cancer-predisposing syndrome. Also called: Tumor predisposition; Hereditary Cancer Syndrome; Hereditary neoplastic syndrome; Neoplastic Syndromes, Hereditary. Identifiers: Orphanet 140162, MedGen C0027672, MeSH D009386, MONDO:0015356.
Hirschsprung disease, susceptibility to, 1 (HSCR1). Also called: RET-Related Hirschsprung Disease. Identifiers: Orphanet 388, MedGen C3888239, MONDO:0007723, OMIM 142623.
Multiple endocrine neoplasia type 2B. Also called: Multiple endocrine neoplasia, type 3; MULTIPLE ENDOCRINE NEOPLASIA, TYPE IIB; MEN IIB; NEUROMATA, MUCOSAL, WITH ENDOCRINE TUMORS; WAGENMANN-FROBOESE SYNDROME; MULTIPLE ENDOCRINE NEOPLASIA, TYPE III. Identifiers: Orphanet 247709, Orphanet 653, MedGen C0025269, MeSH D018814, MONDO:0008082, OMIM 162300.
Pheochromocytoma. Also called: MAX-Related Hereditary Paraganglioma-Pheochromocytoma Syndrome. Identifiers: Orphanet 29072, MedGen C0031511, MONDO:0008233, OMIM 171300, HP:0002666.
Familial medullary thyroid carcinoma (MTC). Also called: Thyroid cancer, familial medullary; MTC, familial; Familial Medullary Thyroid Carcinoma (FMTC). Identifiers: Orphanet 653, Orphanet 99361, MedGen C1833921, MONDO:0007958, OMIM 155240.
Multiple endocrine neoplasia type 2A. Also called: MULTIPLE ENDOCRINE NEOPLASIA, TYPE IIA; PTC SYNDROME; SIPPLE SYNDROME; MEN 2A; MEN-2A syndrome; Pheochromocytoma and amyloid producing medullary thyroid carcinoma. Identifiers: Orphanet 247698, Orphanet 653, MedGen C0025268, MeSH D018813, MONDO:0008234, OMIM 171400.

Submissions (2):

Ambry Genetics
Classification: Uncertain significance for Hereditary cancer-predisposing syndrome. Last evaluated: 2025-10-31. Review status: criteria provided, single submitter. Criteria: Ambry Variant Classification Scheme 2023. Collection method: clinical testing. Allele origin: germline.
Comment: The p.N763S variant (also known as c.2288A>G), located in coding exon 13 of the RET gene, results from an A to G substitution at nucleotide position 2288. The asparagine at codon 763 is replaced by serine, an amino acid with highly similar properties. This amino acid position is well conserved in available vertebrate species. In addition, this alteration is predicted to be tolerated by in silico analysis. Based on the available evidence, the clinical significance of this variant remains unclear.

Fulgent Genetics
Classification: Uncertain significance for Hirschsprung disease, susceptibility to, 1; Familial medullary thyroid carcinoma; Multiple endocrine neoplasia type 2B; Pheochromocytoma; Multiple endocrine neoplasia type 2A. Last evaluated: 2024-03-13. Review status: criteria provided, single submitter. Criteria: ACMG Guidelines, 2015. Collection method: clinical testing. Allele origin: germline.